The following is an entry in ClinVar:

ClinVar aggregate classification (germline): Uncertain significance (1 of 4 stars; one submission).

Conditions:
Inborn genetic diseases. Identifiers: MedGen C0950123, MeSH D030342.

gnomAD v4.1: 16 of 1,614,180 alleles (0.00099%); highest among the groups gnomAD compares: African/African-American, 0.015%; no homozygotes.

Submission:

Ambry Genetics
Classification: Uncertain significance for Inborn genetic diseases. Last evaluated: 2024-12-14. Review status: criteria provided, single submitter. Criteria: Ambry Variant Classification Scheme 2023. Collection method: clinical testing. Allele origin: germline.
Comment: The p.A129S variant (also known as c.385G>T), located in coding exon 3 of the ANKRD26 gene, results from a G to T substitution at nucleotide position 385. The alanine at codon 129 is replaced by serine, an amino acid with similar properties. This amino acid position is conserved. In addition, this alteration is predicted to be tolerated by in silico analysis. Based on the available evidence, the clinical significance of this variant remains unclear.

NM_014915.3(ANKRD26):c.385G>T (p.Ala129Ser)

Gene: ANKRD26 (ankyrin repeat domain containing 26; minus strand). Cytogenetic location: 10p12.1.
Variant type: single nucleotide variant.
Coding change: c.385G>T on transcript NM_014915.3 (MANE Select); coding-DNA position 385, G replaced by T.
Protein change: p.Ala129Ser; replaces alanine 129 with serine.
Molecular consequence: missense variant.
Genome position (GRCh38, 1-based): chr10:27,093,495, C>A on the plus strand (G>T on the coding strand, the complement: ANKRD26 is on the minus strand). VCF-style: chr10-27093495-C-A. GRCh37 (hg19) VCF-style: chr10-27382424-C-A.
Other names: c.385G>T, p.Ala129Ser (NM_001256053.2); short protein forms A129S.
Identifiers: ClinVar variation 3868295 (VCV003868295.1).